The following is an entry in ClinVar:

NM_006514.4(SCN10A):c.169T>G (p.Leu57Val)

Gene: SCN10A (sodium voltage-gated channel alpha subunit 10; minus strand). Cytogenetic location: 3p22.2.
Variant type: single nucleotide variant.
Coding change: c.169T>G on transcript NM_006514.4 (MANE Select); coding-DNA position 169, T replaced by G.
Protein change: p.Leu57Val; replaces leucine 57 with valine.
Molecular consequence: missense variant.
Genome position (GRCh38, 1-based): chr3:38,793,842, A>C on the plus strand (T>G on the coding strand, the complement: SCN10A is on the minus strand). VCF-style: chr3-38793842-A-C. GRCh37 (hg19) VCF-style: chr3-38835333-A-C.
Other names: c.169T>G, p.Leu57Val (NM_001293306.2, NM_001293307.2); short protein forms L57V.
Identifiers: ClinVar variation 3316514 (VCV003316514.3).

ClinVar aggregate classification (germline): Uncertain significance. Review status: criteria provided, multiple submitters, no conflicts (2 of 4 stars). 2 submissions from 2 submitters: Uncertain significance (2). Last evaluated 2024-04-28.

Conditions:
Brugada syndrome. Also called: Sudden unexpected nocturnal death syndrome; Sudden Unexplained Death Syndrome; Sudden Unexplained Nocturnal Death Syndrome (SUNDS); Sudden unexplained nocturnal death syndrome. Identifiers: Orphanet 130, MedGen C1142166, MONDO:0015263.
Cardiovascular phenotype. Identifiers: MedGen CN230736.

Submissions (2):

Ambry Genetics
Classification: Uncertain significance for Cardiovascular phenotype. Last evaluated: 2024-04-28. Review status: criteria provided, single submitter. Criteria: Ambry Variant Classification Scheme 2023. Collection method: clinical testing. Allele origin: germline.
Comment: The p.L57V variant (also known as c.169T>G), located in coding exon 1 of the SCN10A gene, results from a T to G substitution at nucleotide position 169. The leucine at codon 57 is replaced by valine, an amino acid with highly similar properties. This amino acid position is conserved. In addition, the in silico prediction for this alteration is inconclusive. Based on the available evidence, the clinical significance of this variant remains unclear.

Labcorp Genetics (formerly Invitae), Labcorp
Classification: Uncertain significance for Brugada syndrome. Last evaluated: 2024-02-29. Review status: criteria provided, single submitter. Criteria: Invitae Variant Classification Sherloc (09022015). Collection method: clinical testing. Allele origin: germline.
Comment: This sequence change replaces leucine, which is neutral and non-polar, with valine, which is neutral and non-polar, at codon 57 of the SCN10A protein (p.Leu57Val). This variant is not present in population databases (gnomAD no frequency). This variant has not been reported in the literature in individuals affected with SCN10A-related conditions. Advanced modeling of protein sequence and biophysical properties (such as structural, functional, and spatial information, amino acid conservation, physicochemical variation, residue mobility, and thermodynamic stability) has been performed at Invitae for this missense variant, however the output from this modeling did not meet the statistical confidence thresholds required to predict the impact of this variant on SCN10A protein function. In summary, the available evidence is currently insufficient to determine the role of this variant in disease. Therefore, it has been classified as a Variant of Uncertain Significance.